The following is an entry in ClinVar:

ClinVar aggregate classification (germline): Uncertain significance (1 of 4 stars; one submission).

Allele frequency attached by ClinVar (database versions not stated): gnomAD exomes below 0.00001.
gnomAD v4.1: 1 of 1,606,044 alleles (0.000062%); highest among the groups gnomAD compares: Non-Finnish European, 0.000085%; no homozygotes.

Submission:

Labcorp Genetics (formerly Invitae), Labcorp
Classification: Uncertain significance. Last evaluated: 2022-06-14. Review status: criteria provided, single submitter. Criteria: Invitae Variant Classification Sherloc (09022015). Collection method: clinical testing. Allele origin: germline.
Comment: This sequence change falls in intron 31 of the CPLANE1 gene. It does not directly change the encoded amino acid sequence of the CPLANE1 protein. It affects a nucleotide within the consensus splice site. This variant is not present in population databases (gnomAD no frequency). This variant has not been reported in the literature in individuals affected with CPLANE1-related conditions. Variants that disrupt the consensus splice site are a relatively common cause of aberrant splicing (PMID: 17576681, 9536098). Algorithms developed to predict the effect of sequence changes on RNA splicing suggest that this variant is not likely to affect RNA splicing. In summary, the available evidence is currently insufficient to determine the role of this variant in disease. Therefore, it has been classified as a Variant of Uncertain Significance.

Literature cited by the submitters: PubMed 17576681; PubMed 9536098.

NM_001384732.1(CPLANE1):c.5978+6A>T

Gene: CPLANE1 (ciliogenesis and planar polarity effector complex subunit 1; minus strand). Cytogenetic location: 5p13.2.
Variant type: single nucleotide variant.
Coding change: c.5978+6A>T on transcript NM_001384732.1 (MANE Select); 6 bases into the intron after coding-DNA position 5978, A replaced by T.
Molecular consequence: intron variant.
Genome position (GRCh38, 1-based): chr5:37,175,903, T>A on the plus strand (A>T on the coding strand, the complement: CPLANE1 is on the minus strand). VCF-style: chr5-37175903-T-A. GRCh37 (hg19) VCF-style: chr5-37176005-T-A.
Other names: c.5978+6A>T (NM_023073.4).
Identifiers: ClinVar variation 2006161 (VCV002006161.4), dbSNP rs2547706190, ClinGen allele CA2580073239.
Genomic context (GRCh38, chr5:37,175,903, plus strand): 5'-TACTTTCACTCTGTGATTTGTAAAACACAACTATTTTTAAATGGTATAGTAGGCAAAACT[T>A]CTTACCTAGAAATTTCTGAACTCGTATCTACTTGCATTGATTGAGGAGTGGTATGCCCAG-3'